The following is an entry in ClinVar:

ClinVar aggregate classification (germline): Uncertain significance (1 of 4 stars; one submission).

Submission:

Labcorp Genetics (formerly Invitae), Labcorp
Classification: Uncertain significance. Last evaluated: 2021-06-01. Review status: criteria provided, single submitter. Criteria: Invitae Variant Classification Sherloc (09022015). Collection method: clinical testing. Allele origin: germline.
Comment: In summary, the available evidence is currently insufficient to determine the role of this variant in disease. Therefore, it has been classified as a Variant of Uncertain Significance. Algorithms developed to predict the effect of missense changes on protein structure and function output the following: SIFT: "Tolerated"; PolyPhen-2: "Benign"; Align-GVGD: "Class C0". The aspartic acid amino acid residue is found in multiple mammalian species, suggesting that this missense change does not adversely affect protein function. These predictions have not been confirmed by published functional studies and their clinical significance is uncertain. This variant has not been reported in the literature in individuals with GPAA1-related conditions. This variant is not present in population databases (ExAC no frequency). This sequence change replaces glutamic acid with aspartic acid at codon 405 of the GPAA1 protein (p.Glu405Asp). The glutamic acid residue is moderately conserved and there is a small physicochemical difference between glutamic acid and aspartic acid.

NM_003801.4(GPAA1):c.1215G>C (p.Glu405Asp)

Gene: GPAA1 (glycosylphosphatidylinositol anchor attachment 1; plus strand). Cytogenetic location: 8q24.3.
Variant type: single nucleotide variant.
Coding change: c.1215G>C on transcript NM_003801.4 (MANE Select); coding-DNA position 1215, G replaced by C.
Protein change: p.Glu405Asp; replaces glutamic acid 405 with aspartic acid.
Molecular consequence: missense variant.
Genome position (GRCh38, 1-based): chr8:144,085,093, G>C. VCF-style: chr8-144085093-G-C. GRCh37 (hg19) VCF-style: chr8-145139996-G-C.
Other names: short protein forms E405D.
Identifiers: ClinVar variation 1372437 (VCV001372437.8), dbSNP rs2129946285, ClinGen allele CA372502578.